The following is an entry in ClinVar:

NM_018706.7(DHTKD1):c.2166T>G (p.Ser722Arg)

Gene: DHTKD1 (dehydrogenase E1 and transketolase domain containing 1; plus strand). Cytogenetic location: 10p14.
Variant type: single nucleotide variant.
Coding change: c.2166T>G on transcript NM_018706.7 (MANE Select); coding-DNA position 2166, T replaced by G.
Protein change: p.Ser722Arg; replaces serine 722 with arginine.
Molecular consequence: missense variant.
Genome position (GRCh38, 1-based): chr10:12,112,911, T>G. VCF-style: chr10-12112911-T-G. GRCh37 (hg19) VCF-style: chr10-12154910-T-G.
Other names: short protein forms S722R.
Identifiers: ClinVar variation 2890485 (VCV002890485.3), dbSNP rs781496346, ClinGen allele CA5408167.

ClinVar aggregate classification (germline): Uncertain significance (1 of 4 stars; one submission).

Conditions:
2-aminoadipic 2-oxoadipic aciduria (AAKAD). Also called: Aminoadipic aciduria; ALPHA-AMINOADIPIC AND ALPHA-KETOADIPIC ACIDURIA. Identifiers: Orphanet 79154, MedGen C1859817, MONDO:0008774, OMIM 204750.

Allele frequency attached by ClinVar (database versions not stated): ExAC 0.00002.
gnomAD v4.1: 11 of 1,607,986 alleles (0.00068%); highest among the groups gnomAD compares: Non-Finnish European, 0.00093%; no homozygotes.

Submission:

Labcorp Genetics (formerly Invitae), Labcorp
Classification: Uncertain significance for 2-aminoadipic 2-oxoadipic aciduria. Last evaluated: 2024-10-22. Review status: criteria provided, single submitter. Criteria: Invitae Variant Classification Sherloc (09022015). Collection method: clinical testing. Allele origin: germline.
Comment: This sequence change replaces serine, which is neutral and polar, with arginine, which is basic and polar, at codon 722 of the DHTKD1 protein (p.Ser722Arg). This variant is present in population databases (rs781496346, gnomAD 0.004%). This variant has not been reported in the literature in individuals affected with DHTKD1-related conditions. Invitae Evidence Modeling of protein sequence and biophysical properties (such as structural, functional, and spatial information, amino acid conservation, physicochemical variation, residue mobility, and thermodynamic stability) indicates that this missense variant is not expected to disrupt DHTKD1 protein function with a negative predictive value of 80%. In summary, the available evidence is currently insufficient to determine the role of this variant in disease. Therefore, it has been classified as a Variant of Uncertain Significance.